The following is an entry in ClinVar:

NM_001025356.3(ANO6):c.1273C>T (p.Arg425Ter)

Gene: ANO6 (anoctamin 6; plus strand). Cytogenetic location: 12q12.
Variant type: single nucleotide variant.
Coding change: c.1273C>T on transcript NM_001025356.3 (MANE Select); coding-DNA position 1273, C replaced by T.
Protein change: p.Arg425Ter; replaces arginine 425 with a stop codon.
Molecular consequence: nonsense.
Genome position (GRCh38, 1-based): chr12:45,388,268, C>T. VCF-style: chr12-45388268-C-T. GRCh37 (hg19) VCF-style: chr12-45782051-C-T.
Other names: c.1219C>T, p.Arg407Ter (NM_001142678.2); c.1273C>T, p.Arg425Ter (NM_001142679.2); c.1336C>T, p.Arg446Ter (NM_001204803.2); c.1240C>T, p.Arg414Ter (NM_001410973.1); short protein forms R407*, R414*, R446*, R425*.
Identifiers: ClinVar variation 4692707 (VCV004692707.1).

ClinVar aggregate classification (germline): Pathogenic (1 of 4 stars; one submission).

gnomAD v4.1: 14 of 1,614,066 alleles (0.00087%); highest among the groups gnomAD compares: East Asian, 0.0022%; no homozygotes.

Submission:

Labcorp Genetics (formerly Invitae), Labcorp
Classification: Pathogenic. Last evaluated: 2025-12-10. Review status: criteria provided, single submitter. Criteria: Invitae Variant Classification Sherloc (09022015). Collection method: clinical testing. Allele origin: germline.
Comment: This sequence change creates a premature translational stop signal (p.Arg425*) in the ANO6 gene. It is expected to result in an absent or disrupted protein product. Loss-of-function variants in ANO6 are known to be pathogenic (PMID: 21107324, 21511967, 27879994). This variant is present in population databases (rs767993570, gnomAD 0.006%). This variant has not been reported in the literature in individuals affected with ANO6-related conditions. For these reasons, this variant has been classified as Pathogenic.

Literature cited by the submitters: PubMed 21107324; PubMed 21511967; PubMed 27879994.